The following is an entry in ClinVar:

NM_003265.3(TLR3):c.1921G>C (p.Asp641His)

Gene: TLR3 (toll like receptor 3; plus strand). Cytogenetic location: 4q35.1.
Variant type: single nucleotide variant.
Coding change: c.1921G>C on transcript NM_003265.3 (MANE Select); coding-DNA position 1921, G replaced by C.
Protein change: p.Asp641His; replaces aspartic acid 641 with histidine.
Molecular consequence: missense variant.
Genome position (GRCh38, 1-based): chr4:186,083,607, G>C. VCF-style: chr4-186083607-G-C. GRCh37 (hg19) VCF-style: chr4-187004761-G-C.
Other names: short protein forms D641H.
Identifiers: ClinVar variation 3713050 (VCV003713050.3).

ClinVar aggregate classification (germline): Uncertain significance. Review status: criteria provided, multiple submitters, no conflicts (2 of 4 stars). 2 submissions from 2 submitters: Uncertain significance (2). Last evaluated 2025-03-08.

Conditions:
Encephalopathy, acute, infection-induced (herpes-specific), susceptibility to, 1. Also called: Herpes simplex encephalitis, susceptibility to, 1. Identifiers: Orphanet 1930, MedGen C2750180, MONDO:0024563, OMIM 610551.

gnomAD v4.1: 6 of 1,610,270 alleles (0.00037%); highest among the groups gnomAD compares: African/African-American, 0.0054%; no homozygotes.

Submissions (2):

Ambry Genetics
Classification: Uncertain significance. Last evaluated: 2025-03-08. Review status: criteria provided, single submitter. Criteria: Ambry Variant Classification Scheme 2023. Collection method: clinical testing. Allele origin: germline.

Labcorp Genetics (formerly Invitae), Labcorp
Classification: Uncertain significance for Encephalopathy, acute, infection-induced (herpes-specific), susceptibility to, 1. Last evaluated: 2024-11-27. Review status: criteria provided, single submitter. Criteria: Invitae Variant Classification Sherloc (09022015). Collection method: clinical testing. Allele origin: germline.
Comment: This sequence change replaces aspartic acid, which is acidic and polar, with histidine, which is basic and polar, at codon 641 of the TLR3 protein (p.Asp641His). This variant is present in population databases (rs138505418, gnomAD 0.01%). This variant has not been reported in the literature in individuals affected with TLR3-related conditions. An algorithm developed to predict the effect of missense changes on protein structure and function (PolyPhen-2) suggests that this variant is likely to be disruptive. In summary, the available evidence is currently insufficient to determine the role of this variant in disease. Therefore, it has been classified as a Variant of Uncertain Significance.